The following is an entry in ClinVar:

ClinVar aggregate classification (germline): Uncertain significance (1 of 4 stars; one submission).

Conditions:
Inborn genetic diseases. Identifiers: MedGen C0950123, MeSH D030342.

Allele frequency attached by ClinVar (database versions not stated): gnomAD 0.00001.
gnomAD v4.1: 1 of 1,613,906 alleles (0.000062%); highest among the groups gnomAD compares: African/African-American, 0.0013%; no homozygotes.

Submission:

Ambry Genetics
Classification: Uncertain significance for Inborn genetic diseases. Last evaluated: 2022-07-10. Review status: criteria provided, single submitter. Criteria: Ambry Variant Classification Scheme 2023. Collection method: clinical testing. Allele origin: germline.
Comment: The p.K565Q variant (also known as c.1693A>C), located in coding exon 7 of the ATR gene, results from an A to C substitution at nucleotide position 1693. The lysine at codon 565 is replaced by glutamine, an amino acid with similar properties. This amino acid position is conserved. In addition, this alteration is predicted to be tolerated by in silico analysis. Since supporting evidence is limited at this time, the clinical significance of this alteration remains unclear.

NM_001184.4(ATR):c.1693A>C (p.Lys565Gln)

Gene: ATR (ATR checkpoint kinase; minus strand). Cytogenetic location: 3q23.
Variant type: single nucleotide variant.
Coding change: c.1693A>C on transcript NM_001184.4 (MANE Select); coding-DNA position 1693, A replaced by C.
Protein change: p.Lys565Gln; replaces lysine 565 with glutamine.
Molecular consequence: missense variant.
Genome position (GRCh38, 1-based): chr3:142,559,290, T>G on the plus strand (A>C on the coding strand, the complement: ATR is on the minus strand). VCF-style: chr3-142559290-T-G. GRCh37 (hg19) VCF-style: chr3-142278132-T-G.
Other names: c.1501A>C, p.Lys501Gln (NM_001354579.2); short protein forms K565Q, K501Q.
Identifiers: ClinVar variation 1778173 (VCV001778173.2), dbSNP rs1481616236, ClinGen allele CA354821912.